The following is an entry in ClinVar:

NC_000022.11:g.(?_50579171)_(50582791_?)del

Genes: CHKB-CPT1B (CHKB-CPT1B readthrough (NMD candidate); minus strand), CHKB (choline kinase beta; minus strand), LOC130067882 (ATAC-STARR-seq lymphoblastoid silent region 14000; plus strand). Cytogenetic location: 22q13.33.
Variant type: Deletion.
Identifiers: ClinVar variation 659590 (VCV000659590.2).

ClinVar aggregate classification (germline): Pathogenic (1 of 4 stars; one submission).

Conditions:
Megaconial type congenital muscular dystrophy (MDCMC). Also called: CHKB-Related Muscular Dystrophy; CHKB-Related Muscle Diseases; MUSCULAR DYSTROPHY, CONGENITAL, WITH MITOCHONDRIAL STRUCTURAL ABNORMALITIES. Identifiers: Orphanet 280671, MedGen C1865233, MONDO:0011246, OMIM 602541.

Submission:

Labcorp Genetics (formerly Invitae), Labcorp
Classification: Pathogenic for Muscular dystrophy, congenital, megaconial type. Last evaluated: 2019-10-31. Review status: criteria provided, single submitter. Criteria: Invitae Variant Classification Sherloc (09022015). Collection method: clinical testing. Allele origin: germline.
Comment: A gross deletion of the genomic region encompassing the full coding sequence of the CHKB gene has been identified. The boundaries of this event are unknown as the deletion extends beyond the assayed region for this gene and therefore may encompass additional genes. This variant has not been reported in the literature in individuals with CHKB-related conditions. Loss-of-function variants in CHKB are known to be pathogenic (PMID: 21665002). For these reasons, this variant has been classified as Pathogenic.